The following is an entry in ClinVar:

NM_152383.5(DIS3L2):c.1969C>G (p.Arg657Gly)

Gene: DIS3L2 (DIS3 like 3'-5' exoribonuclease 2; plus strand). Cytogenetic location: 2q37.1.
Variant type: single nucleotide variant.
Coding change: c.1969C>G on transcript NM_152383.5 (MANE Select); coding-DNA position 1969, C replaced by G.
Protein change: p.Arg657Gly; replaces arginine 657 with glycine.
Molecular consequence: missense variant. On other transcripts: non-coding transcript variant (2), intron variant (1).
Genome position (GRCh38, 1-based): chr2:232,330,735, C>G. VCF-style: chr2-232330735-C-G. GRCh37 (hg19) VCF-style: chr2-233195445-C-G.
Other names: c.1582-12610C>G (NM_001257281.2); short protein forms R657G.
Identifiers: ClinVar variation 2802738 (VCV002802738.3), dbSNP rs113330536, ClinGen allele CA350976643.

ClinVar aggregate classification (germline): Uncertain significance (1 of 4 stars; one submission).

Conditions:
Perlman syndrome (PRLMNS). Identifiers: Orphanet 2849, MedGen C0796113, MONDO:0009965, OMIM 267000.

Submission:

Labcorp Genetics (formerly Invitae), Labcorp
Classification: Uncertain significance for Perlman syndrome. Last evaluated: 2023-09-13. Review status: criteria provided, single submitter. Criteria: Invitae Variant Classification Sherloc (09022015). Collection method: clinical testing. Allele origin: germline.
Comment: In summary, the available evidence is currently insufficient to determine the role of this variant in disease. Therefore, it has been classified as a Variant of Uncertain Significance. Advanced modeling of protein sequence and biophysical properties (such as structural, functional, and spatial information, amino acid conservation, physicochemical variation, residue mobility, and thermodynamic stability) performed at Invitae indicates that this missense variant is expected to disrupt DIS3L2 protein function. This variant has not been reported in the literature in individuals affected with DIS3L2-related conditions. This variant is not present in population databases (gnomAD no frequency). This sequence change replaces arginine, which is basic and polar, with glycine, which is neutral and non-polar, at codon 657 of the DIS3L2 protein (p.Arg657Gly).